The following is an entry in ClinVar:

NM_015122.3(FCHO1):c.2005G>A (p.Gly669Arg)

Gene: FCHO1 (FCH and mu domain containing endocytic adaptor 1; plus strand). Cytogenetic location: 19p13.11.
Variant type: single nucleotide variant.
Coding change: c.2005G>A on transcript NM_015122.3 (MANE Select); coding-DNA position 2005, G replaced by A.
Protein change: p.Gly669Arg; replaces glycine 669 with arginine.
Molecular consequence: missense variant. On other transcripts: non-coding transcript variant (36).
Genome position (GRCh38, 1-based): chr19:17,783,084, G>A. VCF-style: chr19-17783084-G-A. GRCh37 (hg19) VCF-style: chr19-17893893-G-A.
Other names: c.2005G>A, p.Gly669Arg (NM_001161357.2, NM_001161358.2, NM_001384370.1 and 13 more transcripts); c.1855G>A, p.Gly619Arg (NM_001161359.2, NM_001384384.1, NM_001384385.1 and 1 more transcripts); c.1966G>A, p.Gly656Arg (NM_001384388.1, NM_001384389.1, NM_001384405.1); c.1930G>A, p.Gly644Arg (NM_001384390.1); c.1888G>A, p.Gly630Arg (NM_001384392.1, NM_001384393.1, NM_001384394.1 and 1 more transcripts); c.1729G>A, p.Gly577Arg (NM_001384396.1, NM_001384397.1, NM_001384398.1 and 5 more transcripts); c.1684G>A, p.Gly562Arg (NM_001384403.1); c.1579G>A, p.Gly527Arg (NM_001384406.1); and 1 more; short protein forms G619R, G630R, G479R, G527R, G562R, G656R, G669R, G577R.
Identifiers: ClinVar variation 2182241 (VCV002182241.3), dbSNP rs750801082, ClinGen allele CA9300717.

ClinVar aggregate classification (germline): Uncertain significance. Review status: criteria provided, multiple submitters, no conflicts (2 of 4 stars). 2 submissions from 2 submitters: Uncertain significance (2). Last evaluated 2024-11-17.

Allele frequency attached by ClinVar (database versions not stated): ExAC 0.00003; TOPMed 0.00003; gnomAD 0.00005; gnomAD exomes 0.00006.
gnomAD v4.1: 90 of 1,613,942 alleles (0.0056%); highest among the groups gnomAD compares: Non-Finnish European, 0.0072%; no homozygotes.

Submissions (2):

Labcorp Genetics (formerly Invitae), Labcorp
Classification: Uncertain significance. Last evaluated: 2024-11-17. Review status: criteria provided, single submitter. Criteria: Invitae Variant Classification Sherloc (09022015). Collection method: clinical testing. Allele origin: germline.
Comment: This sequence change replaces glycine, which is neutral and non-polar, with arginine, which is basic and polar, at codon 669 of the FCHO1 protein (p.Gly669Arg). This variant is present in population databases (rs750801082, gnomAD 0.006%). This variant has not been reported in the literature in individuals affected with FCHO1-related conditions. ClinVar contains an entry for this variant (Variation ID: 2182241). An algorithm developed to predict the effect of missense changes on protein structure and function (PolyPhen-2) suggests that this variant is likely to be disruptive. In summary, the available evidence is currently insufficient to determine the role of this variant in disease. Therefore, it has been classified as a Variant of Uncertain Significance.

Blueprint Genetics
Classification: Uncertain significance. Last evaluated: 2023-06-28. Review status: criteria provided, single submitter. Criteria: ACMG Guidelines, 2015. Collection method: clinical testing. Allele origin: germline.